The following is an entry in ClinVar:

NM_001128840.3(CACNA1D):c.5235C>T (p.Ser1745=)

Gene: CACNA1D (calcium voltage-gated channel subunit alpha1 D; plus strand). Cytogenetic location: 3p21.1.
Variant type: single nucleotide variant.
Coding change: c.5235C>T on transcript NM_001128840.3 (MANE Select); coding-DNA position 5235, C replaced by T.
Protein change: p.Ser1745=; no amino-acid change (serine 1745 retained).
Molecular consequence: synonymous variant.
Genome position (GRCh38, 1-based): chr3:53,801,252, C>T. VCF-style: chr3-53801252-C-T. GRCh37 (hg19) VCF-style: chr3-53835279-C-T.
Other names: c.5295C>T, p.Ser1765= (NM_000720.4); c.5190C>T, p.Ser1730= (NM_001128839.3).
Identifiers: ClinVar variation 3041159 (VCV003041159.2), dbSNP rs2095534332, ClinGen allele CA433896123.

ClinVar aggregate classification (germline): Likely benign (0 of 4 stars; one submission).

Conditions:
CACNA1D-related disorder.

Allele frequency attached by ClinVar (database versions not stated): TOPMed below 0.00001; gnomAD 0.00001.
gnomAD v4.1: 2 of 1,613,870 alleles (0.00012%); highest among the groups gnomAD compares: African/African-American, 0.0027%; no homozygotes.

Submission:

PreventionGenetics, part of Exact Sciences
Classification: Likely benign for CACNA1D-related condition. Last evaluated: 2023-11-10. Review status: no assertion criteria provided. Collection method: clinical testing. Allele origin: germline.
Comment: This variant is classified as likely benign based on ACMG/AMP sequence variant interpretation guidelines (Richards et al. 2015 PMID: 25741868, with internal and published modifications).